The following is an entry in ClinVar:

ClinVar aggregate classification (germline): Uncertain significance. Review status: criteria provided, multiple submitters, no conflicts (2 of 4 stars). 3 submissions from 3 submitters: Uncertain significance (3). Last evaluated 2023-04-11.

Conditions:
Glycogen storage disease type III (GSD3). Also called: Cori disease; FORBES DISEASE. Identifiers: Orphanet 366, MedGen C0017922, MONDO:0009291, OMIM 232400.

Allele frequency attached by ClinVar (database versions not stated): TOPMed below 0.00001.

Submissions (3):

Genome-Nilou Lab
Classification: Uncertain significance for Glycogen storage disease type III. Last evaluated: 2023-04-11. Review status: criteria provided, single submitter. Criteria: ACMG Guidelines, 2015. Collection method: clinical testing. Allele origin: germline. Affected: no.

Labcorp Genetics (formerly Invitae), Labcorp
Classification: Uncertain significance for Glycogen storage disease type III. Last evaluated: 2021-08-30. Review status: criteria provided, single submitter. Criteria: Invitae Variant Classification Sherloc (09022015). Collection method: clinical testing. Allele origin: germline.
Comment: This sequence change replaces glutamic acid with aspartic acid at codon 1390 of the AGL protein (p.Glu1390Asp). The glutamic acid residue is highly conserved and there is a small physicochemical difference between glutamic acid and aspartic acid. This variant is not present in population databases (ExAC no frequency). This variant has not been reported in the literature in individuals affected with AGL-related conditions. Algorithms developed to predict the effect of missense changes on protein structure and function (SIFT, PolyPhen-2, Align-GVGD) all suggest that this variant is likely to be tolerated. In summary, the available evidence is currently insufficient to determine the role of this variant in disease. Therefore, it has been classified as a Variant of Uncertain Significance.

Fulgent Genetics
Classification: Uncertain significance for Glycogen storage disease type III. Last evaluated: 2021-07-06. Review status: criteria provided, single submitter. Criteria: ACMG Guidelines, 2015. Collection method: clinical testing. Allele origin: unknown.

NM_000642.3(AGL):c.4170G>C (p.Glu1390Asp)

Gene: AGL (amylo-alpha-1,6-glucosidase and 4-alpha-glucanotransferase; plus strand). Cytogenetic location: 1p21.2.
Variant type: single nucleotide variant.
Coding change: c.4170G>C on transcript NM_000642.3 (MANE Select); coding-DNA position 4170, G replaced by C.
Protein change: p.Glu1390Asp; replaces glutamic acid 1390 with aspartic acid.
Molecular consequence: missense variant.
Genome position (GRCh38, 1-based): chr1:99,915,397, G>C. VCF-style: chr1-99915397-G-C. GRCh37 (hg19) VCF-style: chr1-100380953-G-C.
Other names: c.4170G>C, p.Glu1390Asp (NM_000028.3, NM_000643.3, NM_000644.3 and 1 more transcripts); c.4122G>C, p.Glu1374Asp (NM_000646.3); c.4149G>C, p.Glu1383Asp (NM_001425326.1); c.3969G>C, p.Glu1323Asp (NM_001425327.1); c.3966G>C, p.Glu1322Asp (NM_001425328.1); c.3831G>C, p.Glu1277Asp (NM_001425329.1); c.3792G>C, p.Glu1264Asp (NM_001425332.1); short protein forms E1390D, E1374D, E1264D, E1277D, E1322D, E1323D, E1383D.
Identifiers: ClinVar variation 659160 (VCV000659160.7), dbSNP rs1570514873, ClinGen allele CA341340823.